The following is an entry in ClinVar:

NM_000153.4(GALC):c.61_63delinsCCA (p.Ala21Pro)

Gene: GALC (galactosylceramidase; minus strand). Cytogenetic location: 14q31.3.
Variant type: Indel.
Coding change: c.61_63delinsCCA on transcript NM_000153.4 (MANE Select); coding-DNA positions 61 to 63, GCG replaced by CCA.
Protein change: p.Ala21Pro; replaces alanine 21 with proline.
Molecular consequence: missense variant. On other transcripts: intron variant (1).
Genome position (GRCh38, 1-based): chr14:87,993,102-87,993,104, CGC replaced by TGG on the plus strand (GCG replaced by CCA on the coding strand, the reverse complement: GALC is on the minus strand). VCF-style: chr14-87993102-CGC-TGG. GRCh37 (hg19) VCF-style: chr14-88459446-CGC-TGG.
Other names: c.61_63delinsCCA, p.Ala21Pro (NM_001201401.2); c.117+279_117+281delinsCCA (NM_001201402.2); short protein forms A21P.
Identifiers: ClinVar variation 1960888 (VCV001960888.2), dbSNP rs2503549364, ClinGen allele CA2580089267.

ClinVar aggregate classification (germline): Uncertain significance (1 of 4 stars; one submission).

Conditions:
Galactosylceramide beta-galactosidase deficiency. Also called: GALACTOCEREBROSIDASE DEFICIENCY; GALC DEFICIENCY; GLOBOID CELL LEUKOENCEPHALOPATHY; Leukodystrophy, Globoid Cell; Krabbe Disease. Identifiers: Orphanet 487, MedGen C0023521, MONDO:0009499, OMIM 245200.

Submission:

Labcorp Genetics (formerly Invitae), Labcorp
Classification: Uncertain significance for Galactosylceramide beta-galactosidase deficiency. Last evaluated: 2019-10-10. Review status: criteria provided, single submitter. Criteria: Invitae Variant Classification Sherloc (09022015). Collection method: clinical testing. Allele origin: germline.
Comment: This sequence change replaces alanine with alanine at codon 21 of the GALC protein (p.Ala21Pro). The alanine residue is moderately conserved and there is a small physicochemical difference between alanine and proline. This variant is not present in population databases (ExAC no frequency). This variant has not been reported in the literature in individuals with GALC-related conditions. Algorithms developed to predict the effect of sequence changes on RNA splicing suggest that this variant may create or strengthen a splice site, but this prediction has not been confirmed by published transcriptional studies. In summary, the available evidence is currently insufficient to determine the role of this variant in disease. Therefore, it has been classified as a Variant of Uncertain Significance.